The following is an entry in ClinVar:

NM_021870.3(FGG):c.451A>G (p.Lys151Glu)

Gene: FGG (fibrinogen gamma chain; minus strand). Cytogenetic location: 4q32.1.
Variant type: single nucleotide variant.
Coding change: c.451A>G on transcript NM_021870.3 (MANE Select); coding-DNA position 451, A replaced by G.
Protein change: p.Lys151Glu; replaces lysine 151 with glutamic acid.
Molecular consequence: missense variant.
Genome position (GRCh38, 1-based): chr4:154,610,148, T>C on the plus strand (A>G on the coding strand, the complement: FGG is on the minus strand). VCF-style: chr4-154610148-T-C. GRCh37 (hg19) VCF-style: chr4-155531300-T-C.
Other names: c.451A>G, p.Lys151Glu (NM_000509.6); short protein forms K151E.
Identifiers: ClinVar variation 4987421 (VCV004987421.1).

ClinVar aggregate classification (germline): Uncertain significance (1 of 4 stars; one submission).

Conditions:
FGG-related disorder. Also called: FGG-related condition.

Submission:

PreventionGenetics, part of Exact Sciences
Classification: Uncertain significance for FGG-related condition. Last evaluated: 2024-12-07. Review status: criteria provided, single submitter. Criteria: ACMG Guidelines, 2015. Collection method: clinical testing. Allele origin: germline.
Comment: The FGG c.451A>G variant is predicted to result in the amino acid substitution p.Lys151Glu. To our knowledge, this variant has not been reported in the literature or in a large population database (gnomAD), indicating this variant is rare. At this time, the clinical significance of this variant is uncertain due to the absence of conclusive functional and genetic evidence.